The following is an entry in ClinVar:

NM_014845.6(FIG4):c.2097-809A>G

Gene: FIG4 (FIG4 phosphoinositide 5-phosphatase; plus strand). Cytogenetic location: 6q21.
Variant type: single nucleotide variant.
Coding change: c.2097-809A>G on transcript NM_014845.6 (MANE Select); 809 bases into the intron before coding-DNA position 2097, A replaced by G.
Molecular consequence: intron variant.
Genome position (GRCh38, 1-based): chr6:109,788,785, A>G. VCF-style: chr6-109788785-A-G. GRCh37 (hg19) VCF-style: chr6-110109988-A-G.
Identifiers: ClinVar variation 4072239 (VCV004072239.1).

ClinVar aggregate classification (germline): Pathogenic (1 of 4 stars; one submission).

Conditions:
Yunis-Varon syndrome (YVS). Also called: Cleidocranial dysplasia, micrognathia, absent thumbs, & distal aphalangia. Identifiers: Orphanet 3472, MedGen C1857663, MONDO:0008995, OMIM 216340.

Submission:

Center for Reproduction and Genetics, Suzhou Municipal Hospital
Classification: Pathogenic for Yunis-Varon Syndrome. Last evaluated: 2025-07-01. Review status: criteria provided, single submitter. Criteria: ACMG Guidelines, 2015. Collection method: research. Allele origin: paternal. Affected: yes. Observed: 2 variant alleles.
Comment: The NM_014845.6:c.2097-809A>G is a deep intronic variant in FIG4. It is absent from various genetic variant databases(PM2_Supporting). This variant was found in a Chinese family of 2 patients with thumbs and halluce dysplasia,multiple facial deformities, abnormal skull morphology which is a highly specific phenotype for Yunis-Varon Syndrome (PP1,PP4) with a known pathogenic variant c.1141C>T in the compound heterozygous forms (PM3). Online websites SpliceAI predicted that it would destroy the acceptor sites with a score of 0.97. By RT-PCR and splicing analysis. c.2097-809A>G generates an aberrant splicing transcript of that containted a pseudo-exon inclusion in FIG4 which would result in a premature termination codon at residue 822 (p.Asp700Valfs*123)(PVS1). In summary, this variant meets criteria to be classified as pathogenic: PVS1, PM2_Supporting, PM3, PP1, PP4.